The following is an entry in ClinVar:

ClinVar aggregate classification (germline): Benign. Review status: criteria provided, multiple submitters, no conflicts (2 of 4 stars). 2 submissions from 2 submitters: Benign (2). Last evaluated 2018-06-14.

Allele frequency attached by ClinVar (database versions not stated): gnomAD 0.45299 and 0.45809; TOPMed 0.47029; 1000 Genomes Project 0.51158; 1000 Genomes Project 30x 0.52077.
gnomAD v4.1: 121,198 of 307,890 alleles (39%); highest among the groups gnomAD compares: African/African-American, 76%; 28,562 homozygotes.

Submissions (2):

GeneDx
Classification: Benign. Last evaluated: 2018-06-14. Review status: criteria provided, single submitter. Criteria: GeneDx Variant Classification (06012015). Collection method: clinical testing. Allele origin: germline. Affected: yes.
Comment: This variant is considered likely benign or benign based on one or more of the following criteria: it is a conservative change, it occurs at a poorly conserved position in the protein, it is predicted to be benign by multiple in silico algorithms, and/or has population frequency not consistent with disease.

Breakthrough Genomics
Classification: Benign. Review status: criteria provided, single submitter. Criteria: ACMG Guidelines, 2015. Collection method: not provided. Allele origin: germline. Inheritance: Autosomal dominant inheritance. Affected: yes.

NM_001042492.3(NF1):c.4110+1111G>A

Gene: NF1 (neurofibromin 1; plus strand). Cytogenetic location: 17q11.2.
Variant type: single nucleotide variant.
Coding change: c.4110+1111G>A on transcript NM_001042492.3 (MANE Select); 1111 bases into the intron after coding-DNA position 4110, G replaced by A.
Molecular consequence: intron variant.
Genome position (GRCh38, 1-based): chr17:31,250,230, G>A. VCF-style: chr17-31250230-G-A. GRCh37 (hg19) VCF-style: chr17-29577248-G-A.
Other names: c.4110+1111G>A (NM_000267.4).
Identifiers: ClinVar variation 561761 (VCV000561761.2), dbSNP rs7220483, ClinGen allele CA15898078.